The following is an entry in ClinVar:

ClinVar aggregate classification (germline): Uncertain significance (1 of 4 stars; one submission).

Conditions:
Hereditary cancer-predisposing syndrome. Also called: Hereditary neoplastic syndrome; Neoplastic Syndromes, Hereditary; Tumor predisposition; Hereditary Cancer Syndrome. Identifiers: Orphanet 140162, MedGen C0027672, MeSH D009386, MONDO:0015356.

gnomAD v4.1: 2 of 1,613,690 alleles (0.00012%); highest among the groups gnomAD compares: South Asian, 0.0011%; no homozygotes.

Submission:

Ambry Genetics
Classification: Uncertain significance for Hereditary cancer-predisposing syndrome. Last evaluated: 2025-12-05. Review status: criteria provided, single submitter. Criteria: Ambry Variant Classification Scheme 2023. Collection method: clinical testing. Allele origin: germline.
Comment: The p.T2228R variant (also known as c.6683C>G), located in coding exon 45 of the ATM gene, results from a C to G substitution at nucleotide position 6683. The threonine at codon 2228 is replaced by arginine, an amino acid with similar properties. This amino acid position is well conserved in available vertebrate species. In addition, the in silico prediction for this alteration is inconclusive. Since supporting evidence is limited at this time, the clinical significance of this alteration remains unclear.

NM_000051.4(ATM):c.6683C>G (p.Thr2228Arg)

Genes: ATM (ATM serine/threonine kinase; plus strand), C11orf65 (chromosome 11 open reading frame 65; minus strand). Cytogenetic location: 11q22.3.
Variant type: single nucleotide variant.
Coding change: c.6683C>G on transcript NM_000051.4 (MANE Select); coding-DNA position 6683, C replaced by G.
Protein change: p.Thr2228Arg; replaces threonine 2228 with arginine.
Molecular consequence: missense variant. On other transcripts: intron variant (2).
Genome position (GRCh38, 1-based): chr11:108,325,420, C>G. VCF-style: chr11-108325420-C-G. GRCh37 (hg19) VCF-style: chr11-108196147-C-G.
Other names: c.6683C>G, p.Thr2228Arg (NM_001351834.2); c.641-16349G>C (NM_001330368.2); c.*38+9800G>C (NM_001351110.2); short protein forms T2228R.
Identifiers: ClinVar variation 1754865 (VCV001754865.2), dbSNP rs2085565666, ClinGen allele CA382554888.